The following is an entry in ClinVar:

ClinVar aggregate classification (germline): Uncertain significance (1 of 4 stars; one submission).

Conditions:
Inborn genetic diseases. Identifiers: MedGen C0950123, MeSH D030342.

Submission:

Ambry Genetics
Classification: Uncertain significance for Inborn genetic diseases. Last evaluated: 2026-07-23. Review status: criteria provided, single submitter. Criteria: Ambry Variant Classification Scheme 2023. Collection method: clinical testing. Allele origin: germline.
Comment: The p.N975D variant (also known as c.2923A>G), located in coding exon 24 of the ANKRD26 gene, results from an A to G substitution at nucleotide position 2923. The asparagine at codon 975 is replaced by aspartic acid, an amino acid with highly similar properties. This amino acid position is conserved. In addition, this alteration is predicted to be tolerated by in silico analysis. Based on the available evidence, the clinical significance of this variant remains unclear.

NM_014915.3(ANKRD26):c.2923A>G (p.Asn975Asp)

Gene: ANKRD26 (ankyrin repeat domain 26; minus strand). Cytogenetic location: 10p12.1.
Variant type: single nucleotide variant.
Coding change: c.2923A>G on transcript NM_014915.3 (MANE Select); coding-DNA position 2923, A replaced by G.
Protein change: p.Asn975Asp; replaces asparagine 975 with aspartic acid.
Molecular consequence: missense variant.
Genome position (GRCh38, 1-based): chr10:27,035,527, T>C on the plus strand (A>G on the coding strand, the complement: ANKRD26 is on the minus strand). VCF-style: chr10-27035527-T-C. GRCh37 (hg19) VCF-style: chr10-27324456-T-C.
Other names: c.2920A>G, p.Asn974Asp (NM_001256053.2); short protein forms N974D, N975D.
Identifiers: ClinVar variation 5023261 (VCV005023261.1).